The following is an entry in ClinVar:

ClinVar aggregate classification (germline): Uncertain significance (1 of 4 stars; one submission).

Submission:

Labcorp Genetics (formerly Invitae), Labcorp
Classification: Uncertain significance. Last evaluated: 2023-06-29. Review status: criteria provided, single submitter. Criteria: Invitae Variant Classification Sherloc (09022015). Collection method: clinical testing. Allele origin: germline.
Comment: In summary, the available evidence is currently insufficient to determine the role of this variant in disease. Therefore, it has been classified as a Variant of Uncertain Significance. Advanced modeling of protein sequence and biophysical properties (such as structural, functional, and spatial information, amino acid conservation, physicochemical variation, residue mobility, and thermodynamic stability) performed at Invitae indicates that this missense variant is not expected to disrupt DOCK6 protein function. ClinVar contains an entry for this variant (Variation ID: 1412888). This variant has not been reported in the literature in individuals affected with DOCK6-related conditions. This variant is not present in population databases (gnomAD no frequency). This sequence change replaces alanine, which is neutral and non-polar, with threonine, which is neutral and polar, at codon 379 of the DOCK6 protein (p.Ala379Thr).

NM_020812.4(DOCK6):c.1135G>A (p.Ala379Thr)

Gene: DOCK6 (dedicator of cytokinesis 6; minus strand). Cytogenetic location: 19p13.2.
Variant type: single nucleotide variant.
Coding change: c.1135G>A on transcript NM_020812.4 (MANE Select); coding-DNA position 1135, G replaced by A.
Protein change: p.Ala379Thr; replaces alanine 379 with threonine.
Molecular consequence: missense variant.
Genome position (GRCh38, 1-based): chr19:11,243,680, C>T on the plus strand (G>A on the coding strand, the complement: DOCK6 is on the minus strand). VCF-style: chr19-11243680-C-T. GRCh37 (hg19) VCF-style: chr19-11354356-C-T.
Other names: c.1135G>A, p.Ala379Thr (NM_001367830.1); short protein forms A379T.
Identifiers: ClinVar variation 1412888 (VCV001412888.6), dbSNP rs2147853696, ClinGen allele CA404110643.